The following is an entry in ClinVar:

ClinVar aggregate classification (germline): Uncertain significance (1 of 4 stars; one submission).

Submission:

ISCA site 4
Classification: Uncertain significance. Last evaluated: 2011-08-12. Review status: criteria provided, single submitter. Criteria: Kaminsky et al. (Genet Med. 2011). Collection method: clinical testing. Allele origin: de novo. Affected: yes. Observed: 1 variant allele.
Comment: Copy number variation identified through the course of routine clinical cytogenomic testing in postnatal populations. Clinical assertions have been curated as described in Kaminsky et al. 2011.

GRCh38/hg38 19p13.13-13.12(chr19:13533925-14258833)x1

Genes: ADGRL1 (adhesion G protein-coupled receptor L1; minus strand), ADGRL1-AS1 (ADGRL1 antisense RNA 1; plus strand), ASF1B (anti-silencing function 1B histone chaperone; minus strand), BRME1 (break repair meiotic recombinase recruitment factor 1; minus strand), C19orf53 (chromosome 19 open reading frame 53; plus strand) and 84 more. Cytogenetic location: 19p13.13-13.12.
Variant type: copy number loss.
Change: copy number 1 (one copy instead of two) of chr19:13,533,925-14,258,833 (724.9 kb, GRCh38 coordinates, 1-based), cytogenetic band 19p13.13-13.12.
Identifiers: ClinVar variation 57362 (VCV000057362.1).